The following is an entry in ClinVar:

ClinVar aggregate classification (germline): Pathogenic (1 of 4 stars; one submission).

Submission:

Labcorp Genetics (formerly Invitae), Labcorp
Classification: Pathogenic. Last evaluated: 2023-06-27. Review status: criteria provided, single submitter. Criteria: Invitae Variant Classification Sherloc (09022015). Collection method: clinical testing. Allele origin: germline.
Comment: For these reasons, this variant has been classified as Pathogenic. This variant has not been reported in the literature in individuals affected with FRAS1-related conditions. This variant is present in population databases (no rsID available, gnomAD 0.003%). This sequence change creates a premature translational stop signal (p.Cys382*) in the FRAS1 gene. It is expected to result in an absent or disrupted protein product. Loss-of-function variants in FRAS1 are known to be pathogenic (PMID: 12766769, 18671281).

Literature cited by the submitters: PubMed 12766769; PubMed 18671281.

NM_025074.7(FRAS1):c.1146_1147del (p.Cys382_Glu383delinsTer)

Gene: FRAS1 (Fraser extracellular matrix complex subunit 1; plus strand). Cytogenetic location: 4q21.21.
Variant type: Microsatellite.
Coding change: c.1146_1147del on transcript NM_025074.7 (MANE Select); coding-DNA positions 1146 to 1147, 2 bases deleted (TG; older notation c.1146_1147delTG).
Protein change: p.Cys382_Glu383delinsTer.
Molecular consequence: nonsense.
Genome position (GRCh38, 1-based): chr4:78,282,858-78,282,859, TG deleted; deleting any 2 consecutive bases within chr4:78,282,853-78,282,859 gives the same sequence; the c. name uses the placement nearest the transcript's 3' end. VCF-style (leftmost placement, unchanged base first): chr4-78282852-GGT-G. GRCh37 (hg19) VCF-style: chr4-79204006-GGT-G.
Other names: c.1146_1147del, p.Cys382_Glu383delinsTer (NM_001166133.2).
Identifiers: ClinVar variation 2785327 (VCV002785327.3), dbSNP rs1560625450, ClinGen allele CA552622363.